The following is an entry in ClinVar:

NM_015001.3(SPEN):c.452A>C (p.His151Pro)

Gene: SPEN (spen family transcriptional repressor; plus strand). Cytogenetic location: 1p36.21.
Variant type: single nucleotide variant.
Coding change: c.452A>C on transcript NM_015001.3 (MANE Select); coding-DNA position 452, A replaced by C.
Protein change: p.His151Pro; replaces histidine 151 with proline.
Molecular consequence: missense variant.
Genome position (GRCh38, 1-based): chr1:15,876,249, A>C. VCF-style: chr1-15876249-A-C. GRCh37 (hg19) VCF-style: chr1-16202744-A-C.
Other names: short protein forms H151P.
Identifiers: ClinVar variation 3572823 (VCV003572823.1).
Genomic context (GRCh38, chr1:15,876,249, plus strand): 5'-CTCCTAAATGCAGGGCTTCAGATAACAGGGAGCGTGCTTATGAACATAGTGCCTATGGAC[A>C]CCATGAACGGGGGACGGGAGGATTTGATCGGACAAGACATTACGATCAGGATTACTATAG-3'
Protein context (NP_055816.2, residues 141-161): ERAYEHSAYG[His151Pro]HERGTGGFDR

ClinVar aggregate classification (germline): Uncertain significance (1 of 4 stars; one submission).

gnomAD v4.1: 2 of 1,614,148 alleles (0.00012%); highest among the groups gnomAD compares: Non-Finnish European, 0.00017%; no homozygotes.

Submission:

GeneDx
Classification: Uncertain significance. Last evaluated: 2024-07-10. Review status: criteria provided, single submitter. Criteria: GeneDx Variant Classification Process June 2021. Collection method: clinical testing. Allele origin: germline. Affected: yes.
Comment: Not observed at significant frequency in large population cohorts (gnomAD); In silico analysis supports that this missense variant has a deleterious effect on protein structure/function; Has not been previously published as pathogenic or benign to our knowledge